The following is an entry in ClinVar:

NM_015512.5(DNAH1):c.2418C>G (p.Phe806Leu)

Gene: DNAH1 (dynein axonemal heavy chain 1; plus strand). Cytogenetic location: 3p21.1.
Variant type: single nucleotide variant.
Coding change: c.2418C>G on transcript NM_015512.5 (MANE Select); coding-DNA position 2418, C replaced by G.
Protein change: p.Phe806Leu; replaces phenylalanine 806 with leucine.
Molecular consequence: missense variant.
Genome position (GRCh38, 1-based): chr3:52,349,312, C>G. VCF-style: chr3-52349312-C-G. GRCh37 (hg19) VCF-style: chr3-52383328-C-G.
Other names: short protein forms F806L.
Identifiers: ClinVar variation 3390805 (VCV003390805.1).
Genomic context (GRCh38, chr3:52,349,312, plus strand): 5'-CCTGCGGGAGAAGGAGATCCTGGACAGCTCGCTGCCCAGCAGCATCATCATTGGGCCTTT[C>G]TACATCAACACCGACAATGTCAAGCAGAGCCTGTCCAAGAAACGCAAGGCCCTGGCCACT-3'
Protein context (NP_056327.4, residues 796-816): SLPSSIIIGP[Phe806Leu]YINTDNVKQS

ClinVar aggregate classification (germline): Uncertain significance (1 of 4 stars; one submission).

Submission:

GeneDx
Classification: Uncertain significance. Last evaluated: 2024-06-09. Review status: criteria provided, single submitter. Criteria: GeneDx Variant Classification Process June 2021. Collection method: clinical testing. Allele origin: germline. Affected: yes.
Comment: Not observed at significant frequency in large population cohorts (gnomAD); In silico analysis supports that this missense variant has a deleterious effect on protein structure/function; Has not been previously published as pathogenic or benign to our knowledge